The following is an entry in ClinVar:

ClinVar aggregate classification (germline): Uncertain significance. Review status: criteria provided, multiple submitters, no conflicts (2 of 4 stars). 2 submissions from 2 submitters: Uncertain significance (2). Last evaluated 2025-03-22.

Conditions:
Inborn genetic diseases. Identifiers: MedGen C0950123, MeSH D030342.

Allele frequency attached by ClinVar (database versions not stated): gnomAD exomes 0.00001.
gnomAD v4.1: 19 of 1,602,550 alleles (0.0012%); highest among the groups gnomAD compares: East Asian, 0.0022%; no homozygotes.

Submissions (2):

Labcorp Genetics (formerly Invitae), Labcorp
Classification: Uncertain significance. Last evaluated: 2025-03-22. Review status: criteria provided, single submitter. Criteria: Invitae Variant Classification Sherloc (09022015). Collection method: clinical testing. Allele origin: germline.
Comment: This sequence change replaces lysine, which is basic and polar, with arginine, which is basic and polar, at codon 759 of the CLCN7 protein (p.Lys759Arg). This variant is not present in population databases (gnomAD no frequency). This variant has not been reported in the literature in individuals affected with CLCN7-related conditions. ClinVar contains an entry for this variant (Variation ID: 1483791). Invitae Evidence Modeling of protein sequence and biophysical properties (such as structural, functional, and spatial information, amino acid conservation, physicochemical variation, residue mobility, and thermodynamic stability) indicates that this missense variant is not expected to disrupt CLCN7 protein function with a negative predictive value of 95%. In summary, the available evidence is currently insufficient to determine the role of this variant in disease. Therefore, it has been classified as a Variant of Uncertain Significance.

Ambry Genetics
Classification: Uncertain significance for Inborn genetic diseases. Last evaluated: 2025-01-24. Review status: criteria provided, single submitter. Criteria: Ambry Variant Classification Scheme 2023. Collection method: clinical testing. Allele origin: germline.

NM_001287.6(CLCN7):c.2276A>G (p.Lys759Arg)

Gene: CLCN7 (chloride voltage-gated channel 7; minus strand). Cytogenetic location: 16p13.3.
Variant type: single nucleotide variant.
Coding change: c.2276A>G on transcript NM_001287.6 (MANE Select); coding-DNA position 2276, A replaced by G.
Protein change: p.Lys759Arg; replaces lysine 759 with arginine.
Molecular consequence: missense variant.
Genome position (GRCh38, 1-based): chr16:1,447,061, T>C on the plus strand (A>G on the coding strand, the complement: CLCN7 is on the minus strand). VCF-style: chr16-1447061-T-C. GRCh37 (hg19) VCF-style: chr16-1497062-T-C.
Other names: c.2276A>G (NM_001287.4); c.2204A>G, p.Lys735Arg (NM_001114331.3); short protein forms K759R, K735R.
Identifiers: ClinVar variation 1483791 (VCV001483791.9), dbSNP rs2142364984, ClinGen allele CA394185302.